The following is an entry in ClinVar:

ClinVar aggregate classification (germline): Conflicting classifications of pathogenicity. Review status: criteria provided, conflicting classifications (1 of 4 stars). 9 submissions from 9 submitters: Uncertain significance (3); Likely benign (4). 2 of the submissions do not count toward it. Last evaluated 2025-05-28.

Conditions:
Inborn genetic diseases. Identifiers: MedGen C0950123, MeSH D030342.
HBB-related disorder. Also called: HBB-related condition; HBB-related disorders. Identifiers: MedGen CN239378.
beta Thalassemia (BTHAL). Also called: Cooley's anemia; Erythroblastic anemia; Mediterranean anemia. Identifiers: Orphanet 848, MedGen C0005283, MONDO:0019402. Disease mechanism: loss of function.

Allele frequency attached by ClinVar (database versions not stated): TOPMed below 0.00001.

Submissions (9):

Quest Diagnostics Nichols Institute San Juan Capistrano
Classification: Uncertain significance. Last evaluated: 2025-05-28. Review status: criteria provided, single submitter. Criteria: Quest Diagnostics criteria. Collection method: clinical testing. Allele origin: unknown.
Comment: The HBB c.33C>A (p.Ala11=) synonymous variant does not change the amino acid (alanine) found at position 11 of the beta-globin protein. However, it has been reported to create a new splice-site in exon 1 and purported to reduce the amount of normal beta-globin mRNA synthesized from the mutant allele (HbVar). This variant has been reported in the published literature in individuals affected with beta-thalassemia major along with the HBB c.51del variant, though the phase was not specified (PMID: 30046479 (2018)). The frequency of this variant in the general population (Genome Aggregation Database) is uninformative in the assessment of its pathogenicity. Analysis of this variant using software algorithms for the prediction of the effect of nucleotide changes on splicing yielded predictions that this variant does not affect HBB mRNA splicing. Based on the available information, we are unable to determine the clinical significance of this variant.

Blueprint Genetics
Classification: Likely benign. Last evaluated: 2024-11-26. Review status: criteria provided, single submitter. Criteria: ACMG Guidelines, 2015. Collection method: clinical testing. Allele origin: germline.

Labcorp Genetics (formerly Invitae), Labcorp
Classification: Likely benign. Last evaluated: 2024-11-04. Review status: criteria provided, single submitter. Criteria: Invitae Variant Classification Sherloc (09022015). Collection method: clinical testing. Allele origin: germline.

CeGaT Center for Human Genetics Tuebingen
Classification: Likely benign. Last evaluated: 2024-10-01. Review status: criteria provided, single submitter. Criteria: CeGaT Center For Human Genetics Tuebingen Variant Classification Criteria Version 2. Collection method: clinical testing. Allele origin: germline. Affected: yes. Observed: 1 variant allele.
Comment: HBB: BP4, BP7

Mayo Clinic Laboratories, Mayo Clinic
Classification: Uncertain significance. Last evaluated: 2023-01-19. Review status: criteria provided, single submitter. Criteria: ACMG Guidelines, 2015. Collection method: clinical testing. Allele origin: germline. Observed: 1 variant allele.

ARUP Laboratories, Molecular Genetics and Genomics, ARUP Laboratories
Classification: Uncertain significance. Last evaluated: 2021-06-02. Review status: criteria provided, single submitter. Criteria: ARUP Molecular Germline Variant Investigation Process 2021. Collection method: clinical testing. Allele origin: germline.

Ambry Genetics
Classification: Likely benign for Inborn genetic diseases. Last evaluated: 2017-05-26. Review status: criteria provided, single submitter. Criteria: Ambry Variant Classification Scheme 2023. Collection method: clinical testing. Allele origin: germline.

PreventionGenetics, part of Exact Sciences
Classification: Likely benign for HBB-related condition. Last evaluated: 2023-06-14. Review status: no assertion criteria provided. Collection method: clinical testing. Allele origin: germline. Not counted in ClinVar's aggregate classification.
Comment: This variant is classified as likely benign based on ACMG/AMP sequence variant interpretation guidelines (Richards et al. 2015 PMID: 25741868, with internal and published modifications).

Molecular Genetics Laboratory, BC Children's and BC Women's Hospitals
Classification: Likely benign for Beta thalassemia. Last evaluated: 2021-02-05. Review status: no assertion criteria provided. Criteria: ACMG Guidelines, 2015. Collection method: clinical testing. Allele origin: germline. Affected: yes. Not counted in ClinVar's aggregate classification.

Literature cited by the submitters: PubMed 11791873 (cited by Quest Diagnostics Nichols Institute San Juan Capistrano); PubMed 27756326 (cited by Quest Diagnostics Nichols Institute San Juan Capistrano); PubMed 30046479 (cited by Quest Diagnostics Nichols Institute San Juan Capistrano); PubMed 32414341 (cited by Quest Diagnostics Nichols Institute San Juan Capistrano); PubMed 38577149 (cited by Quest Diagnostics Nichols Institute San Juan Capistrano); PubMed 9160698 (cited by Quest Diagnostics Nichols Institute San Juan Capistrano); PubMed 27263053 (cited by Quest Diagnostics Nichols Institute San Juan Capistrano); PubMed 30249157 (cited by Quest Diagnostics Nichols Institute San Juan Capistrano); PubMed 29295702 (cited by Quest Diagnostics Nichols Institute San Juan Capistrano); PubMed 28670940 (cited by Quest Diagnostics Nichols Institute San Juan Capistrano); PubMed 27828729 (cited by Quest Diagnostics Nichols Institute San Juan Capistrano); PubMed 20406103 (cited by Quest Diagnostics Nichols Institute San Juan Capistrano).

NM_000518.5(HBB):c.33C>A (p.Ala11=)

Genes: HBB (hemoglobin subunit beta; minus strand), LOC107133510 (origin of replication at HBB; plus strand), LOC106099062 (HBB recombination region; plus strand). Cytogenetic location: 11p15.4.
Variant type: single nucleotide variant.
Coding change: c.33C>A on transcript NM_000518.5 (MANE Select); coding-DNA position 33, C replaced by A.
Protein change: p.Ala11=; no amino-acid change (alanine 11 retained).
Molecular consequence: synonymous variant.
Genome position (GRCh38, 1-based): chr11:5,226,989, G>T on the plus strand (C>A on the coding strand, the complement: HBB is on the minus strand). VCF-style: chr11-5226989-G-T. GRCh37 (hg19) VCF-style: chr11-5248219-G-T.
Other names: p.Ala11=.
Identifiers: ClinVar variation 439155 (VCV000439155.46), dbSNP rs35799536, ClinGen allele CA5839818.